The following is an entry in ClinVar:

ClinVar aggregate classification (germline): Likely benign. Review status: criteria provided, multiple submitters, no conflicts (2 of 4 stars). 6 submissions from 5 submitters: Likely benign (6). Last evaluated 2026-06-17.

Conditions:
Adams-Oliver syndrome 5 (AOS5). Identifiers: Orphanet 974, MedGen C4014970, MONDO:0014459, OMIM 616028.
Aortic valve disease 1 (AOVD1). Identifiers: MedGen C3887892, MONDO:0024523, OMIM 109730.
Familial thoracic aortic aneurysm and aortic dissection (TAAD). Also called: Thoracic aortic aneurysms and dissections. Identifiers: Orphanet 91387, MedGen C4707243, MONDO:0019625.

Allele frequency attached by ClinVar (database versions not stated): ExAC 0.00001; gnomAD 0.00001; gnomAD exomes 0.00001 and 0.00002; TOPMed 0.00004.
gnomAD v4.1: 30 of 1,612,712 alleles (0.0019%); highest among the groups gnomAD compares: Middle Eastern, 0.016%; no homozygotes.

Submissions (6):

Ambry Genetics
Classification: Likely benign for Familial thoracic aortic aneurysm and aortic dissection. Last evaluated: 2026-06-17. Review status: criteria provided, single submitter. Criteria: Ambry Variant Classification Scheme 2023. Collection method: clinical testing. Allele origin: germline.

Labcorp Genetics (formerly Invitae), Labcorp
Classification: Likely benign for Adams-Oliver syndrome 5. Last evaluated: 2025-10-06. Review status: criteria provided, single submitter. Criteria: Invitae Variant Classification Sherloc (09022015). Collection method: clinical testing. Allele origin: germline.

Women's Health and Genetics/Laboratory Corporation of America, LabCorp
Classification: Likely benign. Last evaluated: 2023-04-10. Review status: criteria provided, single submitter. Criteria: LabCorp Variant Classification Summary - May 2015. Collection method: clinical testing. Allele origin: germline.

Genome-Nilou Lab
Classification: Likely benign for Adams-Oliver syndrome 5. Last evaluated: 2022-03-15. Review status: criteria provided, single submitter. Criteria: ACMG Guidelines, 2015. Collection method: clinical testing. Allele origin: germline. Affected: no.

Genome-Nilou Lab
Classification: Likely benign for Aortic valve disease 1. Last evaluated: 2022-03-15. Review status: criteria provided, single submitter. Criteria: ACMG Guidelines, 2015. Collection method: clinical testing. Allele origin: germline. Affected: no.

GeneDx
Classification: Likely benign. Last evaluated: 2018-01-11. Review status: criteria provided, single submitter. Criteria: GeneDx Variant Classification (06012015). Collection method: clinical testing. Allele origin: germline. Affected: yes.
Comment: This variant is considered likely benign or benign based on one or more of the following criteria: it is a conservative change, it occurs at a poorly conserved position in the protein, it is predicted to be benign by multiple in silico algorithms, and/or has population frequency not consistent with disease.

NM_017617.5(NOTCH1):c.4428C>T (p.Gly1476=)

Gene: NOTCH1 (notch receptor 1; minus strand). Cytogenetic location: 9q34.3.
Variant type: single nucleotide variant.
Coding change: c.4428C>T on transcript NM_017617.5 (MANE Select); coding-DNA position 4428, C replaced by T.
Protein change: p.Gly1476=; no amino-acid change (glycine 1476 retained).
Molecular consequence: synonymous variant.
Genome position (GRCh38, 1-based): chr9:136,505,468, G>A on the plus strand (C>T on the coding strand, the complement: NOTCH1 is on the minus strand). VCF-style: chr9-136505468-G-A. GRCh37 (hg19) VCF-style: chr9-139399920-G-A.
Other names: c.4428C>T, p.Gly1476= (LRG_1122t1); c.4428C>T (NM_017617.4).
Identifiers: ClinVar variation 514584 (VCV000514584.13), dbSNP rs765751888, ClinGen allele CA5340615.